The following is an entry in ClinVar:

ClinVar aggregate classification (germline): Benign/Likely benign. Review status: criteria provided, multiple submitters, no conflicts (2 of 4 stars). 2 submissions from 2 submitters: Benign (1); Likely benign (1). Last evaluated 2026-01-26.

Conditions:
Ayme-Gripp syndrome. Also called: Aymé-Gripp Syndrome. Identifiers: MedGen C1832812, MONDO:0010992, OMIM 601088.
Cataract 21 multiple types. Also called: CATARACT 21, MULTIPLE TYPES, WITH OR WITHOUT MICROCORNEA; CATARACT 21, CERULEAN, WITH OR WITHOUT MICROCORNEA; CATARACT 21, MULTIPLE TYPES, WITH MICROCORNEA; Cataract, congenital, cerulean type, 4. Identifiers: Orphanet 91492, MedGen C1857768, MONDO:0012437, OMIM 610202.

Submissions (2):

Labcorp Genetics (formerly Invitae), Labcorp
Classification: Likely benign for Cataract 21 multiple types; Ayme-Gripp syndrome. Last evaluated: 2026-01-26. Review status: criteria provided, single submitter. Criteria: Invitae Variant Classification Sherloc (09022015). Collection method: clinical testing. Allele origin: germline.

CeGaT Center for Human Genetics Tuebingen
Classification: Benign. Last evaluated: 2022-07-01. Review status: criteria provided, single submitter. Criteria: CeGaT Center For Human Genetics Tuebingen Variant Classification Criteria Version 2. Collection method: clinical testing. Allele origin: germline. Affected: yes. Observed: 1 variant allele.
Comment: MAF: BS1, BS2

NM_005360.5(MAF):c.705CGG[3] (p.Gly238_Ala239insGly)

Gene: MAF (MAF bZIP transcription factor; minus strand). Cytogenetic location: 16q23.2.
Variant type: Microsatellite.
Coding change: c.705CGG[3] on transcript NM_005360.5 (MANE Select); three copies in a row of the 3-base unit CGG starting at c.705; the reference has two copies in a row; one copy, 3 bases duplicated.
Protein change: p.Gly238_Ala239insGly.
Molecular consequence: inframe insertion.
Genome position (GRCh38, 1-based): chr16:79,599,193-79,599,195, CCG duplicated on the plus strand (CGG on the coding strand, the reverse complement: MAF is on the minus strand); duplicating any 3 consecutive bases within chr16:79,599,193-79,599,200 gives the same sequence; the position shown is the placement nearest the transcript's 3' end. VCF-style (leftmost placement, unchanged base first): chr16-79599192-C-CCCG. GRCh37 (hg19) VCF-style: chr16-79633089-C-CCCG.
Other names: c.705CGG[3], p.Gly238_Ala239insGly (NM_001031804.3).
Identifiers: ClinVar variation 1955367 (VCV001955367.29), dbSNP rs1555529870, ClinGen allele CA496509013.
Genomic context (GRCh38, chr16:79,599,192, plus strand): 5'-GAAGTGCAGGCCGCCGGCGGCGTGGTGCGGGTGCAGGGCGCCCCCCGCCCCCGCCGCGCC[C>CCCG]CCGCCGCCTCCGCCGCCGCCGCCGCCGCCGCCGCCCCCAGCGCTGGCCGGGCCACCGCCG-3'